The following is an entry in ClinVar:

ClinVar aggregate classification (germline): Pathogenic/Likely pathogenic. Review status: criteria provided, multiple submitters, no conflicts (2 of 4 stars). 2 submissions from 2 submitters: Pathogenic (1); Likely pathogenic (1). Last evaluated 2022-10-12.

Conditions:
Charcot-Marie-Tooth disease type 2A2. Also called: CHARCOT-MARIE-TOOTH DISEASE, AXONAL, AUTOSOMAL DOMINANT, TYPE 2A2A; HEREDITARY MOTOR AND SENSORY NEUROPATHY IIA2; HMSN IIA2; CHARCOT-MARIE-TOOTH DISEASE, AXONAL, TYPE 2A2; CHARCOT-MARIE-TOOTH DISEASE, NEURONAL, TYPE 2A2; Charcot-Marie-Tooth Neuropathy Type 2A2. Identifiers: Orphanet 99947, MedGen C4721887, MONDO:0012231, OMIM 609260.
Charcot-Marie-Tooth disease type 2. Also called: Charcot-Marie-Tooth type 2. Identifiers: Orphanet 64746, MedGen C0270914, MONDO:0018993.

Submissions (2):

Labcorp Genetics (formerly Invitae), Labcorp
Classification: Pathogenic for Charcot-Marie-Tooth disease type 2. Last evaluated: 2022-10-12. Review status: criteria provided, single submitter. Criteria: Invitae Variant Classification Sherloc (09022015). Collection method: clinical testing. Allele origin: germline.
Comment: For these reasons, this variant has been classified as Pathogenic. Advanced modeling of protein sequence and biophysical properties (such as structural, functional, and spatial information, amino acid conservation, physicochemical variation, residue mobility, and thermodynamic stability) performed at Invitae indicates that this missense variant is expected to disrupt MFN2 protein function. This sequence change replaces alanine, which is neutral and non-polar, with threonine, which is neutral and polar, at codon 220 of the MFN2 protein (p.Ala220Thr). This variant is not present in population databases (gnomAD no frequency). This missense change has been observed in individual(s) with autosomal dominant MFN2-related conditions (PMID: 28660751; Invitae). In at least one individual the variant was observed to be de novo. ClinVar contains an entry for this variant (Variation ID: 847704).

Laboratório de Neurologia Aplicada e Experimental, Faculdade de Medicina de Ribeirao Preto – Universidade de Sao Paulo
Classification: Likely pathogenic for Charcot-Marie-Tooth disease type 2A2. Last evaluated: 2021-07-20. Review status: criteria provided, single submitter. Criteria: ACMG Guidelines, 2015. Collection method: research. Allele origin: germline. Inheritance: Autosomal dominant inheritance. Affected: yes. Observed: 1 variant allele, 1 heterozygote.
Comment: The c.658G>A (p.Ala220Thr) variant in the MFN2 gene has not been described in the literature to our knowledge. This variant is not present in the population database (GnomAD and ABraOM), suggesting it is not a common benign variant in these populations. This variant replaces Alanine with Threonine at codon 220 of the MFN2 protein, a hot spot region that is highly conserved across different species. An alternative variant (Ala220Val) is classified as Likely Pathogenic, 1 star, by ClinVar (Variation ID: 245943). Additionally, several missense variants in the adjacent amino acid (p.Asp214Asn; p.Phe216Ser; p.Leu218Pro; p.Phe223Leu; p.Val226del) has been reported in Inherited Neuropathy Variant Browser in several families with Charcot-Marie-Tooth Disease type 2A and severe, early-onset axonal neuropathy, supporting the functional importance of this region of the protein (PMID: 29473246; PMID: 18458227; PMID: 18957892; PMID: 21715711; PMID: 24053775; PMID: 15549395; PMID: 23733358; PMID: 22926664). Segregation analysis suggests it is a de novo mutation. In summary, p. p.Ala220Thr meets our criteria to be classified as likely pathogenic.

Literature cited by the submitters: PubMed 28660751 (cited by Labcorp Genetics (formerly Invitae), Labcorp); PubMed 29473246 (cited by Laboratório de Neurologia Aplicada e Experimental, Faculdade de Medicina de Ribeirao Preto – Universidade de Sao Paulo); PubMed 18458227 (cited by Laboratório de Neurologia Aplicada e Experimental, Faculdade de Medicina de Ribeirao Preto – Universidade de Sao Paulo); PubMed 18957892 (cited by Laboratório de Neurologia Aplicada e Experimental, Faculdade de Medicina de Ribeirao Preto – Universidade de Sao Paulo); PubMed 21715711 (cited by Laboratório de Neurologia Aplicada e Experimental, Faculdade de Medicina de Ribeirao Preto – Universidade de Sao Paulo); PubMed 24053775 (cited by Laboratório de Neurologia Aplicada e Experimental, Faculdade de Medicina de Ribeirao Preto – Universidade de Sao Paulo); PubMed 15549395 (cited by Laboratório de Neurologia Aplicada e Experimental, Faculdade de Medicina de Ribeirao Preto – Universidade de Sao Paulo); PubMed 23733358 (cited by Laboratório de Neurologia Aplicada e Experimental, Faculdade de Medicina de Ribeirao Preto – Universidade de Sao Paulo); PubMed 22926664 (cited by Laboratório de Neurologia Aplicada e Experimental, Faculdade de Medicina de Ribeirao Preto – Universidade de Sao Paulo).

NM_014874.4(MFN2):c.658G>A (p.Ala220Thr)

Gene: MFN2 (mitofusin 2; plus strand). Cytogenetic location: 1p36.22.
Variant type: single nucleotide variant.
Coding change: c.658G>A on transcript NM_014874.4 (MANE Select); coding-DNA position 658, G replaced by A.
Protein change: p.Ala220Thr; replaces alanine 220 with threonine.
Molecular consequence: missense variant.
Genome position (GRCh38, 1-based): chr1:11,998,828, G>A. VCF-style: chr1-11998828-G-A. GRCh37 (hg19) VCF-style: chr1-12058885-G-A.
Other names: chr1-11998828-G-A; p.Ala220Thr; c.658G>A, p.Ala220Thr (NM_001127660.2); short protein forms A220T.
Identifiers: ClinVar variation 847704 (VCV000847704.31), dbSNP rs1639045345, ClinGen allele CA338438158.
Genomic context (GRCh38, chr1:11,998,828, plus strand): 5'-AGCCCTGGTATTGATGTCACCACAGAGCTGGACAGCTGGATTGACAAGTTTTGTCTGGAT[G>A]CTGATGTGTTTGTGCTGGTGGCCAACTCAGAGTCCACCCTGATGCAGACGGTAACTCCTC-3'
Protein context (NP_055689.1, residues 210-230): DSWIDKFCLD[Ala220Thr]DVFVLVANSE